The following is an entry in ClinVar:

NM_018896.5(CACNA1G):c.5230G>A (p.Gly1744Arg)

Gene: CACNA1G (calcium voltage-gated channel subunit alpha1 G; plus strand). Cytogenetic location: 17q21.33.
Variant type: single nucleotide variant.
Coding change: c.5230G>A on transcript NM_018896.5 (MANE Select); coding-DNA position 5230, G replaced by A.
Protein change: p.Gly1744Arg; replaces glycine 1744 with arginine.
Molecular consequence: missense variant.
Genome position (GRCh38, 1-based): chr17:50,618,051, G>A. VCF-style: chr17-50618051-G-A. GRCh37 (hg19) VCF-style: chr17-48695412-G-A.
Other names: c.5128G>A, p.Gly1710Arg (NM_198376.3, NM_198379.3, NM_198387.3 and 2 more transcripts); c.5197G>A, p.Gly1733Arg (NM_198377.3, NM_198378.3, NM_198380.3 and 1 more transcripts); c.5161G>A, p.Gly1721Arg (NM_198382.3, NM_198383.3); c.5230G>A, p.Gly1744Arg (NM_198384.3, NM_198385.3, NM_001256333.2); c.5176G>A, p.Gly1726Arg (NM_198386.3, NM_001256324.2); c.5107G>A, p.Gly1703Arg (NM_198388.3); c.5251G>A, p.Gly1751Arg (NM_001256325.2); c.5095G>A, p.Gly1699Arg (NM_001256326.2, NM_001256330.2); and 7 more; short protein forms G1699R, G1706R, G1726R, G1733R, G1710R, G1719R, G1751R, G1692R.
Identifiers: ClinVar variation 1030680 (VCV001030680.2), dbSNP rs2050959815, ClinGen allele CA400263622.

ClinVar aggregate classification (germline): Uncertain significance. Review status: criteria provided, multiple submitters, no conflicts (2 of 4 stars). 2 submissions from 2 submitters: Uncertain significance (2). Last evaluated 2024-05-31.

Conditions:
Spinocerebellar ataxia type 42. Identifiers: Orphanet 458803, MedGen C4225205, MONDO:0014776, OMIM 616795.

Allele frequency attached by ClinVar (database versions not stated): gnomAD exomes below 0.00001.

Submissions (2):

GeneDx
Classification: Uncertain significance. Last evaluated: 2024-05-31. Review status: criteria provided, single submitter. Criteria: GeneDx Variant Classification Process June 2021. Collection method: clinical testing. Allele origin: germline. Affected: yes.
Comment: Not observed at significant frequency in large population cohorts (gnomAD); In silico analysis supports that this missense variant has a deleterious effect on protein structure/function; Has not been previously published as pathogenic or benign to our knowledge

Baylor Genetics
Classification: Uncertain significance for Spinocerebellar ataxia type 42. Last evaluated: 2020-11-06. Review status: criteria provided, single submitter. Criteria: ACMG Guidelines, 2015. Collection method: clinical testing. Allele origin: unknown. Affected: yes.
Comment: This variant was determined to be of uncertain significance according to ACMG Guidelines, 2015 [PMID:25741868].